The following is an entry in ClinVar:

ClinVar aggregate classification (germline): Uncertain significance (1 of 4 stars; one submission).

Conditions:
Inborn genetic diseases. Identifiers: MedGen C0950123, MeSH D030342.

Submission:

Ambry Genetics
Classification: Uncertain significance for Inborn genetic diseases. Last evaluated: 2024-12-10. Review status: criteria provided, single submitter. Criteria: Ambry Variant Classification Scheme 2023. Collection method: clinical testing. Allele origin: germline.
Comment: The p.T106I variant (also known as c.317C>T), located in coding exon 2 of the G6PC3 gene, results from a C to T substitution at nucleotide position 317. The threonine at codon 106 is replaced by isoleucine, an amino acid with similar properties. This amino acid position is conserved. In addition, the in silico prediction for this alteration is inconclusive. Based on the available evidence, the clinical significance of this variant remains unclear.

NM_138387.4(G6PC3):c.317C>T (p.Thr106Ile)

Gene: G6PC3 (glucose-6-phosphatase catalytic subunit 3; plus strand). Cytogenetic location: 17q21.31.
Variant type: single nucleotide variant.
Coding change: c.317C>T on transcript NM_138387.4 (MANE Select); coding-DNA position 317, C replaced by T.
Protein change: p.Thr106Ile; replaces threonine 106 with isoleucine.
Molecular consequence: missense variant. On other transcripts: 5 prime UTR variant (4).
Genome position (GRCh38, 1-based): chr17:44,074,258, C>T. VCF-style: chr17-44074258-C-T. GRCh37 (hg19) VCF-style: chr17-42151626-C-T.
Other names: c.317C>T, p.Thr106Ile (NM_001319945.2); c.-29C>T (NM_001384165.1, NM_001384166.1, NM_001384167.1 and 1 more transcripts); short protein forms T106I.
Identifiers: ClinVar variation 3518087 (VCV003518087.1).
Genomic context (GRCh38, chr17:44,074,258, plus strand): 5'-AGTCTGGTTACTACAGCCAGGCTCCAGCCCAGGTTCACCAGTTCCCCTCTTCTTGTGAGA[C>T]TGGTCCAGGTGGGAAGCCTCAAACATTCTCCCTTTCCCAATGTGGTTAGGGTTCGGGTGA-3'
Protein context (NP_612396.1, residues 96-116): QVHQFPSSCE[Thr106Ile]GPGSPSGHCM